The following is an entry in ClinVar:

ClinVar aggregate classification (germline): Likely benign (1 of 4 stars; one submission).

Allele frequency attached by ClinVar (database versions not stated): gnomAD exomes below 0.00001.
gnomAD v4.1: 2 of 1,550,682 alleles (0.00013%); highest among the groups gnomAD compares: South Asian, 0.0012%; no homozygotes.

Submission:

GeneDx
Classification: Likely benign. Last evaluated: 2014-04-14. Review status: criteria provided, single submitter. Criteria: GeneDx Variant Classification (06012015). Collection method: clinical testing. Allele origin: germline. Affected: yes.
Comment: This variant is considered likely benign or benign based on one or more of the following criteria: it is a conservative change, it occurs at a poorly conserved position in the protein, it is predicted to be benign by multiple in silico algorithms, and/or has population frequency not consistent with disease.

NM_001698.3(AUH):c.170C>T (p.Ala57Val)

Genes: AUH (AU RNA binding methylglutaconyl-CoA hydratase; minus strand), LOC130002059 (ATAC-STARR-seq lymphoblastoid silent region 20025; plus strand). Cytogenetic location: 9q22.31.
Variant type: single nucleotide variant.
Coding change: c.170C>T on transcript NM_001698.3 (MANE Select); coding-DNA position 170, C replaced by T.
Protein change: p.Ala57Val; replaces alanine 57 with valine.
Molecular consequence: missense variant. On other transcripts: 5 prime UTR variant (3).
Genome position (GRCh38, 1-based): chr9:91,361,720, G>A on the plus strand (C>T on the coding strand, the complement: AUH is on the minus strand). VCF-style: chr9-91361720-G-A. GRCh37 (hg19) VCF-style: chr9-94124002-G-A.
Other names: p.A57V:GCG>GTG; c.170C>T, p.Ala57Val (NM_001306190.2); c.-228C>T (NM_001351431.2, NM_001351433.2); c.-320C>T (NM_001351432.2); short protein forms A57V.
Identifiers: ClinVar variation 214143 (VCV000214143.1), dbSNP rs863223912, ClinGen allele CA319923.